The following is an entry in ClinVar:

ClinVar aggregate classification (germline): Pathogenic (1 of 4 stars; one submission).

Submission:

Labcorp Genetics (formerly Invitae), Labcorp
Classification: Pathogenic. Last evaluated: 2023-03-13. Review status: criteria provided, single submitter. Criteria: Invitae Variant Classification Sherloc (09022015). Collection method: clinical testing. Allele origin: germline.
Comment: For these reasons, this variant has been classified as Pathogenic. A similar copy number variant has been observed in individual(s) with ocular albinism (PMID: 11214907). This variant is a gross deletion of the genomic region encompassing exon(s) 4-5 of the GPR143 gene. This deletion is out-of-frame, and is expected to create a premature termination codon and result in an absent or disrupted protein product. Loss-of-function variants in GPR143 are known to be pathogenic (PMID: 15965158, 18978956, 19390656, 21541274, 26160353, 28211458).

Literature cited by the submitters: PubMed 11214907; PubMed 15965158; PubMed 18978956; PubMed 19390656; PubMed 21541274; PubMed 26160353; PubMed 28211458.

NC_000023.10:g.(?_9714064)_(9716726_?)del

Gene: GPR143 (G protein-coupled receptor 143; minus strand). Cytogenetic location: Xp22.2.
Variant type: Deletion.
Identifiers: ClinVar variation 2422764 (VCV002422764.4).